The following is an entry in ClinVar:

NM_000899.5(KITLG):c.363G>A (p.Lys121=)

Gene: KITLG (KIT ligand; minus strand). Cytogenetic location: 12q21.32.
Variant type: single nucleotide variant.
Coding change: c.363G>A on transcript NM_000899.5 (MANE Select); coding-DNA position 363, G replaced by A.
Protein change: p.Lys121=; no amino-acid change (lysine 121 retained).
Molecular consequence: synonymous variant.
Genome position (GRCh38, 1-based): chr12:88,518,697, C>T on the plus strand (G>A on the coding strand, the complement: KITLG is on the minus strand). VCF-style: chr12-88518697-C-T. GRCh37 (hg19) VCF-style: chr12-88912474-C-T.
Other names: c.363G>A, p.Lys121= (NM_003994.6).
Identifiers: ClinVar variation 4686973 (VCV004686973.1).
Genomic context (GRCh38, chr12:88,518,697, plus strand): 5'-AAGAAGCATGGGTTTTTAGAGAAGCGTAATGAAAAATAATCCCAATGAACACAAAGTTAC[C>T]TTAGATGAGTTTTCTTTCACGCACTCCACAAGGTCATCCACTATATTCACAAGTTTGTCT-3'
Protein context (NP_000890.1, residues 111-131): LVECVKENSS[Lys121=]DLKKSFKSPE

ClinVar aggregate classification (germline): Uncertain significance (1 of 4 stars; one submission).

Submission:

GeneDx
Classification: Uncertain significance. Last evaluated: 2025-07-23. Review status: criteria provided, single submitter. Criteria: GeneDx Variant Classification Process June 2021. Collection method: clinical testing. Allele origin: germline. Affected: yes.
Comment: Not observed at significant frequency in large population cohorts (gnomAD); In silico analysis supports a deleterious effect on splicing; Has not been previously published as pathogenic or benign to our knowledge